The following is an entry in ClinVar:

NM_001367624.2(ZNF469):c.2891C>T (p.Ala964Val)

Gene: ZNF469 (zinc finger protein 469; plus strand). Cytogenetic location: 16q24.2.
Variant type: single nucleotide variant.
Coding change: c.2891C>T on transcript NM_001367624.2 (MANE Select); coding-DNA position 2891, C replaced by T.
Protein change: p.Ala964Val; replaces alanine 964 with valine.
Molecular consequence: missense variant.
Genome position (GRCh38, 1-based): chr16:88,430,361, C>T. VCF-style: chr16-88430361-C-T. GRCh37 (hg19) VCF-style: chr16-88496769-C-T.
Other names: NM_001127464.1:c.2891C>T; short protein forms A964V.
Identifiers: ClinVar variation 1353695 (VCV001353695.10), dbSNP rs2142302650, ClinGen allele CA397076069.
Genomic context (GRCh38, chr16:88,430,361, plus strand): 5'-AGCAGAGGAGGGGGAAGCAGTTGAAGCTGTTCCGGAAGGATCTGGACTCGGGCGGCGCAG[C>T]AGAGGGGTCGGGGTCGGGCGGCGGCGGCAGAGCCTCCGGCCTGAGGCCCCGGAGGAACGA-3'
Protein context (NP_001354553.1, residues 954-974): FRKDLDSGGA[Ala964Val]EGSGSGGGGR

ClinVar aggregate classification (germline): Uncertain significance. Review status: criteria provided, multiple submitters, no conflicts (2 of 4 stars). 2 submissions from 2 submitters: Uncertain significance (2). Last evaluated 2022-06-06.

Conditions:
Cardiovascular phenotype. Identifiers: MedGen CN230736.

Submissions (2):

Ambry Genetics
Classification: Uncertain significance for Cardiovascular phenotype. Last evaluated: 2022-06-06. Review status: criteria provided, single submitter. Criteria: Ambry Variant Classification Scheme 2023. Collection method: clinical testing. Allele origin: germline.
Comment: The p.A964V variant (also known as c.2891C>T), located in coding exon 1 of the ZNF469 gene, results from a C to T substitution at nucleotide position 2891. The alanine at codon 964 is replaced by valine, an amino acid with similar properties. This amino acid position is conserved. In addition, this alteration is predicted to be tolerated by in silico analysis. Since supporting evidence is limited at this time, the clinical significance of this alteration remains unclear.

Labcorp Genetics (formerly Invitae), Labcorp
Classification: Uncertain significance. Last evaluated: 2021-05-14. Review status: criteria provided, single submitter. Criteria: Invitae Variant Classification Sherloc (09022015). Collection method: clinical testing. Allele origin: germline.
Comment: The frequency data for this variant in the population databases is considered unreliable, as metrics indicate insufficient coverage at this position in the ExAC database. In summary, the available evidence is currently insufficient to determine the role of this variant in disease. Therefore, it has been classified as a Variant of Uncertain Significance. Algorithms developed to predict the effect of missense changes on protein structure and function (SIFT, PolyPhen-2, Align-GVGD) all suggest that this variant is likely to be tolerated, but these predictions have not been confirmed by published functional studies and their clinical significance is uncertain. This variant has not been reported in the literature in individuals with ZNF469-related conditions. This sequence change replaces alanine with valine at codon 964 of the ZNF469 protein (p.Ala964Val). The alanine residue is weakly conserved and there is a small physicochemical difference between alanine and valine.